The following is an entry in ClinVar:

NM_001384900.1(SEMA3D):c.717T>C (p.Asn239=)

Gene: SEMA3D (semaphorin 3D; minus strand). Cytogenetic location: 7q21.11.
Variant type: single nucleotide variant.
Coding change: c.717T>C on transcript NM_001384900.1 (MANE Select); coding-DNA position 717, T replaced by C.
Protein change: p.Asn239=; no amino-acid change (asparagine 239 retained).
Molecular consequence: synonymous variant.
Genome position (GRCh38, 1-based): chr7:85,065,425, A>G on the plus strand (T>C on the coding strand, the complement: SEMA3D is on the minus strand). VCF-style: chr7-85065425-A-G. GRCh37 (hg19) VCF-style: chr7-84694741-A-G.
Other names: c.717T>C, p.Asn239= (NM_001384901.1, NM_001384902.1, NM_001384903.1 and 1 more transcripts).
Identifiers: ClinVar variation 709258 (VCV000709258.6), dbSNP rs149888411, ClinGen allele CA4323667.

ClinVar aggregate classification (germline): Likely benign. Review status: criteria provided, single submitter (1 of 4 stars). 2 submissions from 2 submitters: Likely benign (1). 1 of the submissions does not count toward it. Last evaluated 2019-12-31.

Conditions:
SEMA3D-related disorder. Also called: SEMA3D-related condition.

Allele frequency attached by ClinVar (database versions not stated): gnomAD exomes 0.00006 and 0.00018; ExAC 0.00022; 1000 Genomes Project 0.00040; 1000 Genomes Project 30x 0.00062; gnomAD 0.00066 and 0.00068; ESP Exome Variant Server 0.00077; TOPMed 0.00079.
gnomAD v4.1: 194 of 1,612,872 alleles (0.012%); highest among the groups gnomAD compares: African/African-American, 0.23%; 1 homozygote.

Submissions (2):

Labcorp Genetics (formerly Invitae), Labcorp
Classification: Likely benign. Last evaluated: 2019-12-31. Review status: criteria provided, single submitter. Criteria: Invitae Variant Classification Sherloc (09022015). Collection method: clinical testing. Allele origin: germline.

PreventionGenetics, part of Exact Sciences
Classification: Likely benign for SEMA3D-related condition. Last evaluated: 2021-09-09. Review status: no assertion criteria provided. Collection method: clinical testing. Allele origin: germline. Not counted in ClinVar's aggregate classification.
Comment: This variant is classified as likely benign based on ACMG/AMP sequence variant interpretation guidelines (Richards et al. 2015 PMID: 25741868, with internal and published modifications).